The following is an entry in ClinVar:

ClinVar aggregate classification (germline): Uncertain significance. Review status: criteria provided, multiple submitters, no conflicts (2 of 4 stars). 3 submissions from 3 submitters: Uncertain significance (3). Last evaluated 2021-08-25.

Conditions:
Dilated cardiomyopathy 1G (CMD1G). Identifiers: Orphanet 154, MedGen C1858763, MONDO:0011400, OMIM 604145.
Autosomal recessive limb-girdle muscular dystrophy type 2J (LGMDR10). Also called: Limb-girdle muscular dystrophy, type 2J; MUSCULAR DYSTROPHY, LIMB-GIRDLE, AUTOSOMAL RECESSIVE 10. Identifiers: Orphanet 140922, MedGen C1837342, MONDO:0012127, OMIM 608807.
Early-onset myopathy with fatal cardiomyopathy (CMYO5). Also called: CONGENITAL MYOPATHY 5 WITH CARDIOMYOPATHY; Salih Myopathy. Identifiers: Orphanet 289377, MedGen C2673677, MONDO:0012714, OMIM 611705. Disease mechanism: loss of function.
Tibial muscular dystrophy (TMD). Also called: Tibial muscular dystrophy, tardive; Udd Distal Myopathy – Tibial Muscular Dystrophy; UDD MYOPATHY. Identifiers: Orphanet 609, MedGen C1838244, MONDO:0010870, OMIM 600334.
Myopathy, myofibrillar, 9, with early respiratory failure (MFM9). Also called: Myopathy, distal, with early respiratory failure, autosomal dominant; EDSTROM MYOPATHY; MYOPATHY, PROXIMAL, WITH EARLY RESPIRATORY MUSCLE INVOLVEMENT; Hereditary myopathy with early respiratory failure. Identifiers: Orphanet 178464, Orphanet 34521, MedGen C1863599, MONDO:0011362, OMIM 603689.
Hypertrophic cardiomyopathy 9. Also called: Familial hypertrophic cardiomyopathy 9. Identifiers: MedGen C1861065, MONDO:0013412, OMIM 613765.

Allele frequency attached by ClinVar (database versions not stated): ExAC 0.00002; gnomAD exomes below 0.00001 and 0.00001; TOPMed 0.00002; 1000 Genomes Project 30x 0.00016; 1000 Genomes Project 0.00020; gnomAD 0.00002.
gnomAD v4.1: 8 of 1,614,000 alleles (0.0005%); highest among the groups gnomAD compares: East Asian, 0.013%; no homozygotes.

Submissions (3):

Fulgent Genetics
Classification: Uncertain significance for Tibial muscular dystrophy; Myopathy, myofibrillar, 9, with early respiratory failure; Dilated cardiomyopathy 1G; Autosomal recessive limb-girdle muscular dystrophy type 2J; Early-onset myopathy with fatal cardiomyopathy; Hypertrophic cardiomyopathy 9. Last evaluated: 2021-08-25. Review status: criteria provided, single submitter. Criteria: ACMG Guidelines, 2015. Collection method: clinical testing. Allele origin: unknown.

GeneDx
Classification: Uncertain significance. Last evaluated: 2014-07-08. Review status: criteria provided, single submitter. Criteria: GeneDx Variant Classification (06012015). Collection method: clinical testing. Allele origin: germline. Affected: yes.
Comment: Missense variants in the TTN gene are considered 'unclassified' if they are not previously reported in the literature and do not have >1% frequency in the population to be considered a polymorphism. Research indicates that truncating mutations in the TTN gene are expected to account for approximately 25% of familial and 18% of sporadic idiopathic DCM; however, truncating variants in the TTN gene have been reported in approximately 3% of reported control alleles. There has been little investigation into non-truncating variants. (Herman D et al. Truncations of titin causing dilated cardiomyopathy. N Eng J Med 366:619-628, 2012) The variant is found in CARDIOMYOPATHY panel(s).

Laboratory for Molecular Medicine, Mass General Brigham Personalized Medicine
Classification: Uncertain significance. Last evaluated: 2012-10-17. Review status: criteria provided, single submitter. Criteria: LMM Criteria. Collection method: clinical testing. Allele origin: germline. Observed: 1 variant allele.
Comment: Variant classified as Uncertain Significance - Favor Benign. The Lys32641Gln var iant in TTN has not been reported in the literature nor previously identified by our laboratory. It has been reported in dbSNP (rs56365812) without frequency i nformation. The affected amino acid is not well conserved in evolution, suggest ing that a change may be tolerated. Other computational analyses (biochemical a mino acid properties, AlignGVGD, PolyPhen2, and SIFT) also suggest that the Lys3 2641Gln variant may not impact the protein, though this information is not predi ctive enough to rule out pathogenicity. This variant is more likely benign but a t this time, additional information is needed to fully assess its clinical signi ficance.

NM_001267550.2(TTN):c.105625A>C (p.Lys35209Gln)

Genes: TTN-AS1 (TTN antisense RNA 1; plus strand), TTN (titin; minus strand), LOC129935183 (ATAC-STARR-seq lymphoblastoid active region 16808; plus strand). Cytogenetic location: 2q31.2.
Variant type: single nucleotide variant.
Coding change: c.105625A>C on transcript NM_001267550.2 (MANE Select); coding-DNA position 105625, A replaced by C.
Protein change: p.Lys35209Gln; replaces lysine 35209 with glutamine.
Molecular consequence: missense variant.
Genome position (GRCh38, 1-based): chr2:178,530,990, T>G on the plus strand (A>C on the coding strand, the complement: TTN is on the minus strand). VCF-style: chr2-178530990-T-G. GRCh37 (hg19) VCF-style: chr2-179395717-T-G.
Other names: p.K33568Q:AAA>CAA; c.100702A>C, p.Lys33568Gln (NM_001256850.1); c.97921A>C, p.Lys32641Gln (NM_133378.4); c.78430A>C, p.Lys26144Gln (NM_003319.4); c.78805A>C, p.Lys26269Gln (NM_133432.3); c.79006A>C, p.Lys26336Gln (NM_133437.4); short protein forms K35209Q, K32641Q, K33568Q, K26336Q, K26144Q, K26269Q.
Identifiers: ClinVar variation 47697 (VCV000047697.7), dbSNP rs56365812, ClinGen allele CA141739.